The following is an entry in ClinVar:

ClinVar aggregate classification (germline): Benign/Likely benign. Review status: criteria provided, multiple submitters, no conflicts (2 of 4 stars). 5 submissions from 5 submitters: Benign (2); Likely benign (3). Last evaluated 2025-12-20.

Conditions:
Hereditary cancer-predisposing syndrome. Also called: Tumor predisposition; Hereditary neoplastic syndrome; Neoplastic Syndromes, Hereditary; Hereditary Cancer Syndrome. Identifiers: Orphanet 140162, MedGen C0027672, MeSH D009386, MONDO:0015356.

Allele frequency attached by ClinVar (database versions not stated): gnomAD exomes 0.00005; ExAC 0.00007; gnomAD 0.00010; ESP Exome Variant Server 0.00015; TOPMed 0.00019.
gnomAD v4.1: 58 of 1,614,042 alleles (0.0036%); highest among the groups gnomAD compares: African/African-American, 0.073%; 1 homozygote.

Submissions (5):

Labcorp Genetics (formerly Invitae), Labcorp
Classification: Likely benign. Last evaluated: 2025-12-20. Review status: criteria provided, single submitter. Criteria: Invitae Variant Classification Sherloc (09022015). Collection method: clinical testing. Allele origin: germline.

Quest Diagnostics Nichols Institute San Juan Capistrano
Classification: Benign. Last evaluated: 2022-10-29. Review status: criteria provided, single submitter. Criteria: Quest Diagnostics criteria. Collection method: clinical testing. Allele origin: unknown.

Sema4
Classification: Likely benign for Hereditary cancer-predisposing syndrome. Last evaluated: 2021-08-10. Review status: criteria provided, single submitter. Criteria: Sema4 Curation Guidelines. Collection method: curation. Allele origin: germline.

Ambry Genetics
Classification: Likely benign for Hereditary cancer-predisposing syndrome. Last evaluated: 2016-09-02. Review status: criteria provided, single submitter. Criteria: Ambry Variant Classification Scheme 2023. Collection method: clinical testing. Allele origin: germline.

GeneDx
Classification: Benign. Last evaluated: 2015-09-21. Review status: criteria provided, single submitter. Criteria: GeneDx Variant Classification (06012015). Collection method: clinical testing. Allele origin: germline. Affected: yes.
Comment: This variant is considered likely benign or benign based on one or more of the following criteria: it is a conservative change, it occurs at a poorly conserved position in the protein, it is predicted to be benign by multiple in silico algorithms, and/or has population frequency not consistent with disease.

NM_005431.2(XRCC2):c.678T>C (p.Tyr226=)

Gene: XRCC2 (X-ray repair cross complementing 2; minus strand). Cytogenetic location: 7q36.1.
Variant type: single nucleotide variant.
Coding change: c.678T>C on transcript NM_005431.2 (MANE Select); coding-DNA position 678, T replaced by C.
Protein change: p.Tyr226=; no amino-acid change (tyrosine 226 retained).
Molecular consequence: synonymous variant.
Genome position (GRCh38, 1-based): chr7:152,648,807, A>G on the plus strand (T>C on the coding strand, the complement: XRCC2 is on the minus strand). VCF-style: chr7-152648807-A-G. GRCh37 (hg19) VCF-style: chr7-152345892-A-G.
Identifiers: ClinVar variation 378865 (VCV000378865.18), dbSNP rs143357617, ClinGen allele CA4582311.
Genomic context (GRCh38, chr7:152,648,807, plus strand): 5'-ATCATCTTGTTTGGAGAAAAACATCCTGTGCTTCACCAGTTGCTGCCATGCCTTACAGAG[A>G]TAAGGTCTGTAGTCTATGTCCACATCACACAGTCGTCGAGAGGCATGAGAAGGTTCTTCT-3'
Protein context (NP_005422.1, residues 216-236): LCDVDIDYRP[Tyr226=]LCKAWQQLVK